The following is an entry in ClinVar:

NM_001127222.2(CACNA1A):c.3129C>A (p.Asn1043Lys)

Gene: CACNA1A (calcium voltage-gated channel subunit alpha1 A; minus strand). Cytogenetic location: 19p13.13.
Variant type: single nucleotide variant.
Coding change: c.3129C>A on transcript NM_001127222.2 (MANE Select); coding-DNA position 3129, C replaced by A.
Protein change: p.Asn1043Lys; replaces asparagine 1043 with lysine.
Molecular consequence: missense variant.
Genome position (GRCh38, 1-based): chr19:13,286,927, G>T on the plus strand (C>A on the coding strand, the complement: CACNA1A is on the minus strand). VCF-style: chr19-13286927-G-T. GRCh37 (hg19) VCF-style: chr19-13397741-G-T.
Other names: c.3141C>A, p.Asn1047Lys (NM_000068.4, NM_023035.3); c.3132C>A, p.Asn1044Lys (NM_001127221.2, NM_001174080.2); short protein forms N1044K, N1047K, N1043K.
Identifiers: ClinVar variation 446914 (VCV000446914.10), dbSNP rs1187232740, ClinGen allele CA404342006.
Genomic context (GRCh38, chr19:13,286,927, plus strand): 5'-CTCTGCCAGGGGTGGGTCTTGGCGGCCCAGGTCCTGCTGGATTGGCCGGGTGGTTGACAG[G>T]TTGGGGCCCGACACAGGGACCCCGGAGCCCTGGTTCTCTCTGAGGAAGGCAAGTGAATGA-3'
Protein context (NP_001120694.1, residues 1033-1053): QGSGVPVSGP[Asn1043Lys]LSTTRPIQQD

ClinVar aggregate classification (germline): Uncertain significance. Review status: criteria provided, multiple submitters, no conflicts (2 of 4 stars). 2 submissions from 2 submitters: Uncertain significance (2). Last evaluated 2023-10-12.

Conditions:
Episodic ataxia type 2 (EA2). Also called: ATAXIA, EPISODIC, WITH NYSTAGMUS; ATAXIA, FAMILIAL PAROXYSMAL; CEREBELLAR ATAXIA, PAROXYSMAL, ACETAZOLAMIDE-RESPONSIVE; CEREBELLOPATHY, HEREDITARY PAROXYSMAL; ACETAZOLAMIDE-RESPONSIVE HEREDITARY PAROXYSMAL CEREBELLAR ATAXIA; EPISODIC ATAXIA, NYSTAGMUS-ASSOCIATED. Identifiers: Orphanet 97, MedGen C1720416, MONDO:0007163, OMIM 108500.
Developmental and epileptic encephalopathy, 42 (DEE42A). Also called: Epileptic encephalopathy, early infantile, 42; DEVELOPMENTAL AND EPILEPTIC ENCEPHALOPATHY 42A; EPILEPTIC ENCEPHALOPATHY, EARLY INFANTILE, 42A. Identifiers: MedGen C4310716, MONDO:0014917, OMIM 617106.

Allele frequency attached by ClinVar (database versions not stated): gnomAD exomes below 0.00001; TOPMed 0.00001.
gnomAD v4.1: 1 of 1,610,744 alleles (0.000062%); highest among the groups gnomAD compares: Admixed American, 0.0017%; no homozygotes.

Submissions (2):

Labcorp Genetics (formerly Invitae), Labcorp
Classification: Uncertain significance for Developmental and epileptic encephalopathy, 42; Episodic ataxia type 2. Last evaluated: 2023-10-12. Review status: criteria provided, single submitter. Criteria: Invitae Variant Classification Sherloc (09022015). Collection method: clinical testing. Allele origin: germline.
Comment: This sequence change replaces asparagine, which is neutral and polar, with lysine, which is basic and polar, at codon 1044 of the CACNA1A protein (p.Asn1044Lys). This variant is not present in population databases (gnomAD no frequency). This variant has not been reported in the literature in individuals affected with CACNA1A-related conditions. ClinVar contains an entry for this variant (Variation ID: 446914). Advanced modeling of protein sequence and biophysical properties (such as structural, functional, and spatial information, amino acid conservation, physicochemical variation, residue mobility, and thermodynamic stability) performed at Invitae indicates that this missense variant is not expected to disrupt CACNA1A protein function. In summary, the available evidence is currently insufficient to determine the role of this variant in disease. Therefore, it has been classified as a Variant of Uncertain Significance.

Athena Diagnostics
Classification: Uncertain significance. Last evaluated: 2016-11-29. Review status: criteria provided, single submitter. Criteria: Athena Diagnostics Criteria. Collection method: clinical testing. Allele origin: germline.